The following is an entry in ClinVar:

ClinVar aggregate classification (germline): Pathogenic (1 of 4 stars; one submission).

Conditions:
Hereditary breast ovarian cancer syndrome. Also called: Hereditary breast and ovarian cancer; Breast and ovarian cancer; BRCA1- and BRCA2-Associated Hereditary Breast and Ovarian Cancer; Hereditary breast and/or ovarian cancer syndrome; Hereditary breast and ovarian cancer syndrome; Hereditary breast and ovarian cancer syndrome (HBOC). Identifiers: Orphanet 145, MedGen C0677776, MeSH D061325, MONDO:0003582. Disease mechanism: loss of function.

Allele frequency attached by ClinVar (database versions not stated): TOPMed below 0.00001.

Submission:

Labcorp Genetics (formerly Invitae), Labcorp
Classification: Pathogenic for Hereditary breast ovarian cancer syndrome. Last evaluated: 2025-05-13. Review status: criteria provided, single submitter. Criteria: Invitae Variant Classification Sherloc (09022015). Collection method: clinical testing. Allele origin: germline.
Comment: This sequence change affects a donor splice site in intron 12 of the BRCA1 gene. RNA analysis indicates that disruption of this splice site induces altered splicing and may result in an absent or altered protein product. This variant is not present in population databases (gnomAD no frequency). Disruption of this splice site has been observed in individual(s) with breast and/or ovarian cancer (PMID: 25366421, 27983536, 29470806). ClinVar contains an entry for this variant (Variation ID: 1076429). Studies have shown that disruption of this splice site alters mRNA splicing and is expected to lead to the loss of protein expression (PMID: 21735045, 21769658, 24667779; internal data). For these reasons, this variant has been classified as Pathogenic.

Literature cited by the submitters: PubMed 25366421; PubMed 27983536; PubMed 29470806; PubMed 21735045; PubMed 21769658; PubMed 24667779.

NM_007294.4(BRCA1):c.4357+2T>A

Gene: BRCA1 (BRCA1 DNA repair associated; minus strand). Cytogenetic location: 17q21.31.
Variant type: single nucleotide variant.
Coding change: c.4357+2T>A on transcript NM_007294.4 (MANE Select); the canonical splice donor site of the intron after coding-DNA position 4357, T replaced by A.
Molecular consequence: splice donor variant.
Genome position (GRCh38, 1-based): chr17:43,082,402, A>T on the plus strand (T>A on the coding strand, the complement: BRCA1 is on the minus strand). VCF-style: chr17-43082402-A-T. GRCh37 (hg19) VCF-style: chr17-41234419-A-T.
Other names: c.907+2T>A (NM_001408458.1, NM_001408453.1, NM_001408461.1 and 8 more transcripts); c.3469+2T>A (NM_001407967.1, NM_001407966.1); c.3976+2T>A (NM_001407959.1, NM_001407960.1); c.4090+2T>A (NM_001407931.1, NM_001407932.1, NM_001407935.1 and 3 more transcripts); c.4213+2T>A (NM_001407747.1, NM_001407839.1, NM_001407745.1 and 23 more transcripts); c.3973+2T>A (NM_001407962.1, NM_001407963.1); c.544+2T>A (NM_001408512.1); c.667+2T>A (NM_001408510.1); and 51 more.
Identifiers: ClinVar variation 1076429 (VCV001076429.10), dbSNP rs80358152, ClinGen allele CA10592999.